The following is an entry in ClinVar:

NM_001032382.2(PQBP1):c.45C>T (p.Gly15=)

Genes: PQBP1 (polyglutamine binding protein 1; plus strand), LOC130068256 (ATAC-STARR-seq lymphoblastoid active region 29617; plus strand). Cytogenetic location: Xp11.23.
Variant type: single nucleotide variant.
Coding change: c.45C>T on transcript NM_001032382.2 (MANE Select); coding-DNA position 45, C replaced by T.
Protein change: p.Gly15=; no amino-acid change (glycine 15 retained).
Molecular consequence: synonymous variant.
Genome position (GRCh38, 1-based): chrX:48,898,554, C>T. VCF-style: chrX-48898554-C-T. GRCh37 (hg19) VCF-style: chrX-48755837-C-T.
Other names: c.45C>T, p.Gly15= (NM_001032381.2, NM_001032383.2, NM_001032384.1 and 6 more transcripts).
Identifiers: ClinVar variation 5009420 (VCV005009420.1).
Genomic context (GRCh38, chrX:48,898,554, plus strand): 5'-CTGTCTGCTATCAGCTATGCCGCTGCCCGTTGCGCTGCAGACCCGCTTGGCCAAGAGAGG[C>T]ATCCTCAAACATCTGGAGCCTGGTGAGACAGCTAAAAGCAGATGGTCCTAACACGTGCCA-3'
Protein context (NP_001027554.1, residues 5-25): VALQTRLAKR[Gly15=]ILKHLEPEPE

ClinVar aggregate classification (germline): Uncertain significance (1 of 4 stars; one submission).

gnomAD v4.1: 2 of 1,207,970 alleles (0.00017%); highest among the groups gnomAD compares: African/African-American, 0.0035%; no homozygotes.

Submission:

GeneDx
Classification: Uncertain significance. Last evaluated: 2026-03-18. Review status: criteria provided, single submitter. Criteria: GeneDx Variant Classification Process June 2021. Collection method: clinical testing. Allele origin: germline.
Comment: Not observed at significant frequency in large population cohorts (gnomAD); In silico analysis supports a deleterious effect on splicing; Has not been previously published as pathogenic or benign to our knowledge